The following is an entry in ClinVar:

NM_003743.5(NCOA1):c.92C>T (p.Thr31Met)

Gene: NCOA1 (nuclear receptor coactivator 1; plus strand). Cytogenetic location: 2p23.3.
Variant type: single nucleotide variant.
Coding change: c.92C>T on transcript NM_003743.5 (MANE Select); coding-DNA position 92, C replaced by T.
Protein change: p.Thr31Met; replaces threonine 31 with methionine.
Molecular consequence: missense variant.
Genome position (GRCh38, 1-based): chr2:24,665,751, C>T. VCF-style: chr2-24665751-C-T. GRCh37 (hg19) VCF-style: chr2-24888620-C-T.
Other names: c.92C>T, p.Thr31Met (NM_001362950.1, NM_001362952.1, NM_001362954.1 and 3 more transcripts); short protein forms T31M.
Identifiers: ClinVar variation 4980142 (VCV004980142.1).
Genomic context (GRCh38, chr2:24,665,751, plus strand): 5'-CAGAGAAGGAAATATGGTGATACAAATGTACACTAACTGGATTTTCTTTGTGTAACAGCA[C>T]GGAAAAGAGGCGCAGGGAGCAAGAAAATAAATATTTAGAAGAACTAGCTGAGTTACTGTC-3'
Protein context (NP_003734.3, residues 21-41): GSPCDTLASS[Thr31Met]EKRRREQENK

ClinVar aggregate classification (germline): Uncertain significance (1 of 4 stars; one submission).

Conditions:
NCOA1-related disorder. Also called: NCOA1-related condition.

gnomAD v4.1: 42 of 1,543,000 alleles (0.0027%); highest among the groups gnomAD compares: Middle Eastern, 0.017%; no homozygotes.

Submission:

PreventionGenetics, part of Exact Sciences
Classification: Uncertain significance for NCOA1-related condition. Last evaluated: 2026-01-21. Review status: criteria provided, single submitter. Criteria: ACMG Guidelines, 2015. Collection method: clinical testing. Allele origin: germline.
Comment: The NCOA1 c.92C>T variant is predicted to result in the amino acid substitution p.Thr31Met. To our knowledge, this variant has not been reported in the literature. This variant is reported in 0.014% of alleles in individuals of European (Non-Finnish) descent in gnomAD. At this time, the clinical significance of this variant is uncertain due to the absence of conclusive functional and genetic evidence.